The following is an entry in ClinVar:

NM_000169.3(GLA):c.1284_1287del (p.Leu428fs)

Genes: GLA (galactosidase alpha; minus strand), RPL36A-HNRNPH2 (RPL36A-HNRNPH2 readthrough; plus strand). Cytogenetic location: Xq22.1.
Variant type: Microsatellite.
Coding change: c.1284_1287del on transcript NM_000169.3 (MANE Select); coding-DNA positions 1284 to 1287, 4 bases deleted (ACTT; older notation c.1284_1287delACTT).
Protein change: p.Leu428fs; shifts the reading frame from leucine 428.
Molecular consequence: frameshift variant. On other transcripts: non-coding transcript variant (3), intron variant (2).
Genome position (GRCh38, 1-based): chrX:101,397,812-101,397,815, AAGT deleted on the plus strand (ACTT on the coding strand, the reverse complement: GLA is on the minus strand); deleting any 4 consecutive bases within chrX:101,397,812-101,397,819 gives the same sequence; the c. name uses the placement nearest the transcript's 3' end. VCF-style (leftmost placement, unchanged base first): chrX-101397811-AAAGT-A. GRCh37 (hg19) VCF-style: chrX-100652799-AAAGT-A.
Other names: c.1407_1410del, p.Leu469fs (NM_001406747.1); c.300+2359_300+2362del (NM_001199973.2); c.177+5994_177+5997del (NM_001199974.2); short protein forms L428fs, L469fs.
Identifiers: ClinVar variation 10773 (VCV000010773.3), dbSNP rs869312250, ClinGen allele CA352714.

ClinVar aggregate classification (germline): Likely pathogenic. Review status: criteria provided, single submitter (1 of 4 stars). 2 submissions from 2 submitters: Likely pathogenic (1). 1 of the submissions does not count toward it. Last evaluated 2026-09-08.

Conditions:
Fabry disease. Also called: Ceramide trihexosidosis; Fabry's disease; CERAMIDE TRIHEXOSIDASE DEFICIENCY; GLA DEFICIENCY; HEREDITARY DYSTOPIC LIPIDOSIS; ALPHA-GALACTOSIDASE A DEFICIENCY. Identifiers: Orphanet 324, MedGen C0002986, MONDO:0010526, OMIM 301500, HP:0001071. Disease mechanism: Fabry disease is due to inactivating mutations in the X-linked GLA gene resulting in deficiency of the enzyme Alpha Galactosidase-A., loss of function.

Submissions (2):

Genomenon, Inc
Classification: Likely pathogenic for Fabry disease. Last evaluated: 2026-09-08. Review status: criteria provided, single submitter. Criteria: Genomenon Sequence Variant Interpretation Standards - Updated. Collection method: curation. Allele origin: germline. Affected: yes.
Comment: GLA p.Leu428PhefsTer4 (c.1284_1287del) is a frameshift variant that results in the production of an extended protein product. This variant has been observed in at least one proband with clinical features consistent with Fabry disease (PMID:12796853;26362204;38308295). Functional or patient cell studies have been reported (PMID:12796853). It is absent or not present at a significant frequency in gnomAD. In conclusion, we classify GLA p.Leu428PhefsTer4 (c.1284_1287del) as a likely pathogenic variant.

OMIM
Classification: Pathogenic for FABRY DISEASE. Last evaluated: 2003-07-01. Review status: no assertion criteria provided. Collection method: literature only. Allele origin: germline. Not counted in ClinVar's aggregate classification.

Literature cited by the submitters: PubMed 12796853 (cited by Genomenon, Inc and OMIM); PubMed 26362204 (cited by Genomenon, Inc); PubMed 38308295 (cited by Genomenon, Inc).